The following is an entry in ClinVar:

NC_000019.9:g.(?_8654106)_(8662221_?)del

Gene: ADAMTS10 (ADAM metallopeptidase with thrombospondin type 1 motif 10; minus strand). Cytogenetic location: 19p13.2.
Variant type: Deletion.
Identifiers: ClinVar variation 3242716 (VCV003242716.1).

ClinVar aggregate classification (germline): Pathogenic (1 of 4 stars; one submission).

Submission:

Labcorp Genetics (formerly Invitae), Labcorp
Classification: Pathogenic. Last evaluated: 2022-12-21. Review status: criteria provided, single submitter. Criteria: Invitae Variant Classification Sherloc (09022015). Collection method: clinical testing. Allele origin: unknown.
Comment: For these reasons, this variant has been classified as Pathogenic. This variant has not been reported in the literature in individuals affected with ADAMTS10-related conditions. This variant is a gross deletion of the genomic region encompassing exon(s) 7-18 of the ADAMTS10 gene. This deletion is out-of-frame, and is expected to create a premature termination codon and result in an absent or disrupted protein product. Loss-of-function variants in ADAMTS10 are known to be pathogenic (PMID: 15368195, 18567016).

Literature cited by the submitters: PubMed 15368195; PubMed 18567016.